The following is an entry in ClinVar:

NM_001206999.2(CIT):c.1244C>T (p.Pro415Leu)

Gene: CIT (citron rho-interacting serine/threonine kinase; minus strand). Cytogenetic location: 12q24.23.
Variant type: single nucleotide variant.
Coding change: c.1244C>T on transcript NM_001206999.2 (MANE Select); coding-DNA position 1244, C replaced by T.
Protein change: p.Pro415Leu; replaces proline 415 with leucine.
Molecular consequence: missense variant.
Genome position (GRCh38, 1-based): chr12:119,803,257, G>A on the plus strand (C>T on the coding strand, the complement: CIT is on the minus strand). VCF-style: chr12-119803257-G-A. GRCh37 (hg19) VCF-style: chr12-120241061-G-A.
Other names: c.1244C>T, p.Pro415Leu (NM_007174.3); short protein forms P415L.
Identifiers: ClinVar variation 4980854 (VCV004980854.1).

ClinVar aggregate classification (germline): Uncertain significance (1 of 4 stars; one submission).

Conditions:
CIT-related disorder. Also called: CIT-related condition.

gnomAD v4.1: 18 of 1,604,510 alleles (0.0011%); highest among the groups gnomAD compares: Non-Finnish European, 0.0015%; no homozygotes.

Submission:

PreventionGenetics, part of Exact Sciences
Classification: Uncertain significance for CIT-related condition. Last evaluated: 2025-01-31. Review status: criteria provided, single submitter. Criteria: ACMG Guidelines, 2015. Collection method: clinical testing. Allele origin: germline.
Comment: The CIT c.1244C>T variant is predicted to result in the amino acid substitution p.Pro415Leu. To our knowledge, this variant has not been reported in the literature. This variant is reported in 0.0027% of alleles in individuals of European (Non-Finnish) descent in gnomAD. At this time, the clinical significance of this variant is uncertain due to the absence of conclusive functional and genetic evidence.